The following is an entry in ClinVar:

NM_000426.4(LAMA2):c.4781T>C (p.Met1594Thr)

Gene: LAMA2 (laminin subunit alpha 2; plus strand). Cytogenetic location: 6q22.33.
Variant type: single nucleotide variant.
Coding change: c.4781T>C on transcript NM_000426.4 (MANE Select); coding-DNA position 4781, T replaced by C.
Protein change: p.Met1594Thr; replaces methionine 1594 with threonine.
Molecular consequence: missense variant.
Genome position (GRCh38, 1-based): chr6:129,366,282, T>C. VCF-style: chr6-129366282-T-C. GRCh37 (hg19) VCF-style: chr6-129687427-T-C.
Other names: c.4781T>C, p.Met1594Thr (NM_001079823.2); short protein forms M1594T.
Identifiers: ClinVar variation 1983762 (VCV001983762.4), dbSNP rs2482626985, ClinGen allele CA365622754.

ClinVar aggregate classification (germline): Uncertain significance (1 of 4 stars; one submission).

Conditions:
LAMA2-related muscular dystrophy (LAMA2-RD). Also called: Laminin alpha 2-related dystrophy. Identifiers: MedGen C5679788, MONDO:0100228.

Submission:

Labcorp Genetics (formerly Invitae), Labcorp
Classification: Uncertain significance for LAMA2-related muscular dystrophy. Last evaluated: 2022-05-13. Review status: criteria provided, single submitter. Criteria: Invitae Variant Classification Sherloc (09022015). Collection method: clinical testing. Allele origin: germline.
Comment: Advanced modeling of protein sequence and biophysical properties (such as structural, functional, and spatial information, amino acid conservation, physicochemical variation, residue mobility, and thermodynamic stability) performed at Invitae indicates that this missense variant is not expected to disrupt LAMA2 protein function. In summary, the available evidence is currently insufficient to determine the role of this variant in disease. Therefore, it has been classified as a Variant of Uncertain Significance. This variant has not been reported in the literature in individuals affected with LAMA2-related conditions. This sequence change replaces methionine, which is neutral and non-polar, with threonine, which is neutral and polar, at codon 1594 of the LAMA2 protein (p.Met1594Thr). This variant is not present in population databases (gnomAD no frequency).